The following is an entry in ClinVar:

ClinVar aggregate classification (germline): Uncertain significance. Review status: criteria provided, multiple submitters, no conflicts (2 of 4 stars). 2 submissions from 2 submitters: Uncertain significance (2). Last evaluated 2019-07-17.

Conditions:
Ehlers-Danlos syndrome, type 4 (EDSVASC). Also called: Ehlers-Danlos syndrome vascular type; Ehlers Danlos syndrome, ecchymotic type; Ehlers Danlos syndrome, arterial type; Ehlers Danlos syndrome, Sack-Barabas type; Ehlers-Danlos Syndrome Type IV. Identifiers: Orphanet 286, MedGen C0268338, MONDO:0017314, OMIM 130050.

Allele frequency attached by ClinVar (database versions not stated): gnomAD 0.00001.
gnomAD v4.1: 1 of 1,613,328 alleles (0.000062%); highest among the groups gnomAD compares: African/African-American, 0.0013%; no homozygotes.

Submissions (2):

Labcorp Genetics (formerly Invitae), Labcorp
Classification: Uncertain significance for Ehlers-Danlos syndrome, type 4. Last evaluated: 2019-07-17. Review status: criteria provided, single submitter. Criteria: Invitae Variant Classification Sherloc (09022015). Collection method: clinical testing. Allele origin: germline.
Comment: In summary, the available evidence is currently insufficient to determine the role of this variant in disease. Therefore, it has been classified as a Variant of Uncertain Significance. Algorithms developed to predict the effect of missense changes on protein structure and function output the following: SIFT: "Tolerated"; PolyPhen-2: "Not Available"; Align-GVGD: "Class C0". The serine amino acid residue is found in multiple mammalian species, suggesting that this missense change does not adversely affect protein function. These predictions have not been confirmed by published functional studies and their clinical significance is uncertain. This variant has not been reported in the literature in individuals with COL3A1-related conditions. This variant is not present in population databases (ExAC no frequency). This sequence change replaces glycine with serine at codon 430 of the COL3A1 protein (p.Gly430Ser). The glycine residue is weakly conserved and there is a small physicochemical difference between glycine and serine.

GeneDx
Classification: Uncertain significance. Last evaluated: 2019-06-25. Review status: criteria provided, single submitter. Criteria: GeneDx Variant Classification Process June 2021. Collection method: clinical testing. Allele origin: germline. Affected: yes.
Comment: Has not been previously published as pathogenic or benign to our knowledge; Not observed in large population cohorts (Lek et al., 2016); In silico analysis, which includes protein predictors and evolutionary conservation, supports that this variant does not alter protein structure/function; Occurs in the triple helical domain at the X position in the canonical Gly-X-Y repeat. Although this variant may have an effect on normal protein folding and function, missense substitution at the X position is not a common mechanism of disease (Stenson et al., 2014)

NM_000090.4(COL3A1):c.1288G>A (p.Gly430Ser)

Gene: COL3A1 (collagen type III alpha 1 chain; plus strand). Cytogenetic location: 2q32.2.
Variant type: single nucleotide variant.
Coding change: c.1288G>A on transcript NM_000090.4 (MANE Select); coding-DNA position 1288, G replaced by A.
Protein change: p.Gly430Ser; replaces glycine 430 with serine.
Molecular consequence: missense variant.
Genome position (GRCh38, 1-based): chr2:188,994,327, G>A. VCF-style: chr2-188994327-G-A. GRCh37 (hg19) VCF-style: chr2-189859053-G-A.
Other names: short protein forms G430S.
Identifiers: ClinVar variation 962117 (VCV000962117.11), dbSNP rs1688253514, ClinGen allele CA349851562.